The following is an entry in ClinVar:

NM_001365951.3(KIF1B):c.2588C>T (p.Ala863Val)

Gene: KIF1B (kinesin family member 1B; plus strand). Cytogenetic location: 1p36.22.
Variant type: single nucleotide variant.
Coding change: c.2588C>T on transcript NM_001365951.3 (MANE Select); coding-DNA position 2588, C replaced by T.
Protein change: p.Ala863Val; replaces alanine 863 with valine.
Molecular consequence: missense variant.
Genome position (GRCh38, 1-based): chr1:10,324,808, C>T. VCF-style: chr1-10324808-C-T. GRCh37 (hg19) VCF-style: chr1-10384866-C-T.
Other names: c.2588C>T, p.Ala863Val (NM_001365952.1); c.2450C>T, p.Ala817Val (NM_015074.3); short protein forms A817V, A863V.
Identifiers: ClinVar variation 1791480 (VCV001791480.5), dbSNP rs768644439, ClinGen allele CA581562.

ClinVar aggregate classification (germline): Uncertain significance. Review status: criteria provided, multiple submitters, no conflicts (2 of 4 stars). 2 submissions from 2 submitters: Uncertain significance (2). Last evaluated 2025-02-18.

Conditions:
Charcot-Marie-Tooth disease type 2. Also called: Charcot-Marie-Tooth type 2. Identifiers: Orphanet 64746, MedGen C0270914, MONDO:0018993.

Allele frequency attached by ClinVar (database versions not stated): ExAC 0.00002; TOPMed below 0.00001; gnomAD exomes 0.00001.
gnomAD v4.1: 8 of 1,613,834 alleles (0.0005%); highest among the groups gnomAD compares: Non-Finnish European, 0.00051%; no homozygotes.

Submissions (2):

Labcorp Genetics (formerly Invitae), Labcorp
Classification: Uncertain significance for Charcot-Marie-Tooth disease type 2. Last evaluated: 2025-02-18. Review status: criteria provided, single submitter. Criteria: Invitae Variant Classification Sherloc (09022015). Collection method: clinical testing. Allele origin: germline.
Comment: This sequence change replaces alanine, which is neutral and non-polar, with valine, which is neutral and non-polar, at codon 817 of the KIF1B protein (p.Ala817Val). This variant is present in population databases (rs768644439, gnomAD 0.002%). This variant has not been reported in the literature in individuals affected with KIF1B-related conditions. ClinVar contains an entry for this variant (Variation ID: 1791480). Invitae Evidence Modeling of protein sequence and biophysical properties (such as structural, functional, and spatial information, amino acid conservation, physicochemical variation, residue mobility, and thermodynamic stability) indicates that this missense variant is not expected to disrupt KIF1B protein function with a negative predictive value of 80%. In summary, the available evidence is currently insufficient to determine the role of this variant in disease. Therefore, it has been classified as a Variant of Uncertain Significance.

Ambry Genetics
Classification: Uncertain significance. Last evaluated: 2023-11-04. Review status: criteria provided, single submitter. Criteria: Ambry Variant Classification Scheme 2023. Collection method: clinical testing. Allele origin: germline.
Comment: The p.A817V variant (also known as c.2450C>T), located in coding exon 23 of the KIF1B gene, results from a C to T substitution at nucleotide position 2450. The alanine at codon 817 is replaced by valine, an amino acid with similar properties. This amino acid position is not well conserved in available vertebrate species. In addition, this alteration is predicted to be tolerated by in silico analysis. Since supporting evidence is limited at this time, the clinical significance of this alteration remains unclear.